The following is an entry in ClinVar:

NM_194250.2(ZNF804A):c.3349G>T (p.Ala1117Ser)

Gene: ZNF804A (zinc finger protein 804A; plus strand). Cytogenetic location: 2q32.1.
Variant type: single nucleotide variant.
Coding change: c.3349G>T on transcript NM_194250.2 (MANE Select); coding-DNA position 3349, G replaced by T.
Protein change: p.Ala1117Ser; replaces alanine 1117 with serine.
Molecular consequence: missense variant.
Genome position (GRCh38, 1-based): chr2:184,938,745, G>T. VCF-style: chr2-184938745-G-T. GRCh37 (hg19) VCF-style: chr2-185803472-G-T.
Other names: short protein forms A1117S.
Identifiers: ClinVar variation 2629640 (VCV002629640.1), dbSNP rs201884581, ClinGen allele CA349779938.
Genomic context (GRCh38, chr2:184,938,745, plus strand): 5'-ACTATCCATCACACTGTTTTGCAGCAGCACGCTGCAGCTGCTGCAGCTGCAGCTGCAGCC[G>T]CAGCTGCAGGAACCTTTAAAGTGCTTCAGCCACACCAACAGTTTCTTTCCCAAATCCCAG-3'
Protein context (NP_919226.1, residues 1107-1127): AAAAAAAAAA[Ala1117Ser]AAGTFKVLQP

ClinVar aggregate classification (germline): Uncertain significance (1 of 4 stars; one submission).

Conditions:
ZNF804A-related disorder. Also called: ZNF804A-related condition.

gnomAD v4.1: 2 of 1,611,288 alleles (0.00012%); highest among the groups gnomAD compares: Middle Eastern, 0.017%; no homozygotes.

Submission:

PreventionGenetics, part of Exact Sciences
Classification: Uncertain significance for ZNF804A-related condition. Last evaluated: 2022-12-21. Review status: criteria provided, single submitter. Criteria: ACMG Guidelines, 2015. Collection method: clinical testing. Allele origin: germline.
Comment: The ZNF804A c.3349G>T variant is predicted to result in the amino acid substitution p.Ala1117Ser. To our knowledge, this variant has not been reported in the literature or in a large population database, indicating this variant is rare. At this time, the clinical significance of this variant is uncertain due to the absence of conclusive functional and genetic evidence.